The following is an entry in ClinVar:

ClinVar aggregate classification (germline): Uncertain significance. Review status: criteria provided, multiple submitters, no conflicts (2 of 4 stars). 2 submissions from 2 submitters: Uncertain significance (2). Last evaluated 2025-04-13.

Conditions:
Inborn genetic diseases. Identifiers: MedGen C0950123, MeSH D030342.

Allele frequency attached by ClinVar (database versions not stated): gnomAD 0.00001; gnomAD exomes 0.00002 and 0.00001; TOPMed 0.00002; ExAC 0.00003.
gnomAD v4.1: 35 of 1,601,540 alleles (0.0022%); highest among the groups gnomAD compares: South Asian, 0.016%; no homozygotes.

Submissions (2):

Ambry Genetics
Classification: Uncertain significance for Inborn genetic diseases. Last evaluated: 2025-04-13. Review status: criteria provided, single submitter. Criteria: Ambry Variant Classification Scheme 2023. Collection method: clinical testing. Allele origin: germline.

Athena Diagnostics
Classification: Uncertain significance. Last evaluated: 2023-09-29. Review status: criteria provided, single submitter. Criteria: Athena Diagnostics Criteria. Collection method: clinical testing. Allele origin: unknown.
Comment: Available data are insufficient to determine the clinical significance of the variant at this time. The frequency of this variant in the general population is uninformative in assessment of its pathogenicity. Computational tools predict that this variant is damaging.

NM_006946.4(SPTBN2):c.4648C>T (p.Arg1550Trp)

Gene: SPTBN2 (spectrin beta, non-erythrocytic 2; minus strand). Cytogenetic location: 11q13.2.
Variant type: single nucleotide variant.
Coding change: c.4648C>T on transcript NM_006946.4 (MANE Select); coding-DNA position 4648, C replaced by T.
Protein change: p.Arg1550Trp; replaces arginine 1550 with tryptophan.
Molecular consequence: missense variant.
Genome position (GRCh38, 1-based): chr11:66,693,392, G>A on the plus strand (C>T on the coding strand, the complement: SPTBN2 is on the minus strand). VCF-style: chr11-66693392-G-A. GRCh37 (hg19) VCF-style: chr11-66460863-G-A.
Other names: short protein forms R1550W.
Identifiers: ClinVar variation 586483 (VCV000586483.4), dbSNP rs757086442, ClinGen allele CA6128506.